The following is an entry in ClinVar:

NM_000038.6(APC):c.834+4330C>A

Gene: APC (APC regulator of WNT signaling pathway; plus strand). Cytogenetic location: 5q22.2.
Variant type: single nucleotide variant.
Coding change: c.834+4330C>A on transcript NM_000038.6 (MANE Select); 4330 bases into the intron after coding-DNA position 834, C replaced by A.
Molecular consequence: intron variant.
Genome position (GRCh38, 1-based): chr5:112,805,713, C>A. VCF-style: chr5-112805713-C-A. GRCh37 (hg19) VCF-style: chr5-112141410-C-A.
Other names: c.834+4330C>A (NM_001354895.2, NM_001127510.3, NM_001354896.2 and 1 more transcripts); c.864+4330C>A (NM_001354897.2, NM_001354902.2); c.780+4330C>A (NM_001127511.3); c.759+4330C>A (NM_001354898.2, NM_001354904.2); c.-202+4330C>A (NM_001354906.2); c.750+4330C>A (NM_001354899.2); c.657+4330C>A (NM_001354900.2, NM_001354901.2, NM_001354905.2).
Identifiers: ClinVar variation 83057 (VCV000083057.2), dbSNP rs79415340, ClinGen allele CA014794.

ClinVar aggregate classification (germline): other (0 of 4 stars; one submission).

Conditions:
Familial colorectal cancer. Identifiers: MedGen CN280943, MONDO:0023113. Disease mechanism: loss of function.

Submission:

Systems Biology Platform Zhejiang California International NanoSystems Institute
Classification: other for Familial colorectal cancer. Review status: no assertion criteria provided. Collection method: not provided. Allele origin: unknown.
ClinVar note: Converted during submission from cancer to other.